The following is an entry in ClinVar:

NM_000271.5(NPC1):c.2660C>T (p.Pro887Leu)

Gene: NPC1 (NPC intracellular cholesterol transporter 1; minus strand). Cytogenetic location: 18q11.2.
Variant type: single nucleotide variant.
Coding change: c.2660C>T on transcript NM_000271.5 (MANE Select); coding-DNA position 2660, C replaced by T.
Protein change: p.Pro887Leu; replaces proline 887 with leucine.
Molecular consequence: missense variant.
Genome position (GRCh38, 1-based): chr18:23,539,946, G>A on the plus strand (C>T on the coding strand, the complement: NPC1 is on the minus strand). VCF-style: chr18-23539946-G-A. GRCh37 (hg19) VCF-style: chr18-21119910-G-A.
Other names: short protein forms P887L.
Identifiers: ClinVar variation 803477 (VCV000803477.6), dbSNP rs1169032037, ClinGen allele CA401792923.

ClinVar aggregate classification (germline): Pathogenic/Likely pathogenic. Review status: criteria provided, multiple submitters, no conflicts (2 of 4 stars). 3 submissions from 3 submitters: Pathogenic (2); Likely pathogenic (1). Last evaluated 2024-03-26.

Conditions:
Niemann-Pick disease, type C1. Also called: NIEMANN-PICK DISEASE, VARIANT TYPE C1; NEUROVISCERAL STORAGE DISEASE WITH VERTICAL SUPRANUCLEAR OPHTHALMOPLEGIA; NIEMANN-PICK DISEASE WITH CHOLESTEROL ESTERIFICATION BLOCK; NIEMANN-PICK DISEASE WITHOUT SPHINGOMYELINASE DEFICIENCY; NIEMANN-PICK DISEASE, CHRONIC NEURONOPATHIC FORM. Identifiers: Orphanet 646, MedGen C3179455, MONDO:0009757, OMIM 257220.

Allele frequency attached by ClinVar (database versions not stated): gnomAD exomes below 0.00001; TOPMed below 0.00001.
gnomAD v4.1: 2 of 1,614,172 alleles (0.00012%); highest among the groups gnomAD compares: Non-Finnish European, 0.00017%; no homozygotes.

Submissions (3):

Genomic Medicine Center of Excellence, King Faisal Specialist Hospital and Research Centre
Classification: Likely pathogenic for Niemann-Pick disease, type C1. Last evaluated: 2024-03-26. Review status: criteria provided, single submitter. Criteria: ACMG Guidelines, 2015. Collection method: clinical testing. Allele origin: germline.

Labcorp Genetics (formerly Invitae), Labcorp
Classification: Pathogenic for Niemann-Pick disease, type C1. Last evaluated: 2023-11-15. Review status: criteria provided, single submitter. Criteria: Invitae Variant Classification Sherloc (09022015). Collection method: clinical testing. Allele origin: germline.
Comment: This sequence change replaces proline, which is neutral and non-polar, with leucine, which is neutral and non-polar, at codon 887 of the NPC1 protein (p.Pro887Leu). This variant is not present in population databases (gnomAD no frequency). This missense change has been observed in individual(s) with Niemann-Pick disease type C (PMID: 19744920, 24676439, 28776642, 32222928). ClinVar contains an entry for this variant (Variation ID: 803477). Advanced modeling of protein sequence and biophysical properties (such as structural, functional, and spatial information, amino acid conservation, physicochemical variation, residue mobility, and thermodynamic stability) performed at Invitae indicates that this missense variant is expected to disrupt NPC1 protein function with a positive predictive value of 95%. For these reasons, this variant has been classified as Pathogenic.

Mendelics
Classification: Pathogenic for Niemann-Pick disease, type C1. Last evaluated: 2019-05-28. Review status: criteria provided, single submitter. Criteria: Mendelics Assertion Criteria 2017. Collection method: clinical testing. Allele origin: unknown.

Literature cited by the submitters: PubMed 19744920 (cited by Labcorp Genetics (formerly Invitae), Labcorp); PubMed 24676439 (cited by Labcorp Genetics (formerly Invitae), Labcorp); PubMed 28776642 (cited by Labcorp Genetics (formerly Invitae), Labcorp); PubMed 32222928 (cited by Labcorp Genetics (formerly Invitae), Labcorp).